The following is an entry in ClinVar:

NM_194454.3(KRIT1):c.1261A>T (p.Lys421Ter)

Gene: KRIT1 (KRIT1 ankyrin repeat containing; minus strand). Cytogenetic location: 7q21.2.
Variant type: single nucleotide variant.
Coding change: c.1261A>T on transcript NM_194454.3 (MANE Select); coding-DNA position 1261, A replaced by T.
Protein change: p.Lys421Ter; replaces lysine 421 with a stop codon.
Molecular consequence: nonsense.
Genome position (GRCh38, 1-based): chr7:92,222,972, T>A on the plus strand (A>T on the coding strand, the complement: KRIT1 is on the minus strand). VCF-style: chr7-92222972-T-A. GRCh37 (hg19) VCF-style: chr7-91852286-T-A.
Other names: c.1117A>T, p.Lys373Ter (NM_001013406.2, NM_001350669.1, NM_001350670.1); c.547A>T, p.Lys183Ter (NM_001350671.1); c.1261A>T, p.Lys421Ter (NM_001350672.1, NM_001350673.1, NM_001350674.1 and 26 more transcripts); short protein forms K373*, K421*, K183*.
Identifiers: ClinVar variation 2743285 (VCV002743285.3), dbSNP rs2535833397, ClinGen allele CA368148417.

ClinVar aggregate classification (germline): Pathogenic (1 of 4 stars; one submission).

Conditions:
Cerebral cavernous malformation (CCM). Also called: CEREBRAL CAPILLARY MALFORMATIONS; Cerebral cavernous malformations; Cavernous Hemangioma of Brain; CAVERNOUS ANGIOMA, FAMILIAL; CAVERNOUS ANGIOMATOUS MALFORMATIONS; Cerebral cavernous hemangioma (type). Identifiers: Orphanet 221061, MedGen C2919945, MONDO:0000820, OMIM 116860, HP:0033522.

Submission:

Labcorp Genetics (formerly Invitae), Labcorp
Classification: Pathogenic for Cerebral cavernous malformation. Last evaluated: 2023-07-14. Review status: criteria provided, single submitter. Criteria: Invitae Variant Classification Sherloc (09022015). Collection method: clinical testing. Allele origin: germline.
Comment: For these reasons, this variant has been classified as Pathogenic. This variant has not been reported in the literature in individuals affected with KRIT1-related conditions. This variant is not present in population databases (gnomAD no frequency). This sequence change creates a premature translational stop signal (p.Lys421*) in the KRIT1 gene. It is expected to result in an absent or disrupted protein product. Loss-of-function variants in KRIT1 are known to be pathogenic (PMID: 10508515, 11222804, 12404106, 24689081).

Literature cited by the submitters: PubMed 10508515; PubMed 11222804; PubMed 12404106; PubMed 24689081.